The following is an entry in ClinVar:

NM_003491.4(NAA10):c.472-245A>C

Gene: NAA10 (N-alpha-acetyltransferase 10, NatA catalytic subunit; minus strand). Cytogenetic location: Xq28.
Variant type: single nucleotide variant.
Coding change: c.472-245A>C on transcript NM_003491.4 (MANE Select); 245 bases into the intron before coding-DNA position 472, A replaced by C.
Molecular consequence: intron variant.
Genome position (GRCh38, 1-based): chrX:153,930,468, T>G on the plus strand (A>C on the coding strand, the complement: NAA10 is on the minus strand). VCF-style: chrX-153930468-T-G. GRCh37 (hg19) VCF-style: chrX-153195921-T-G.
Other names: c.454-245A>C (NM_001256120.2); c.427-245A>C (NM_001256119.2).
Identifiers: ClinVar variation 667509 (VCV000667509.2), dbSNP rs2071129, ClinGen allele CA15055619.
Genomic context (GRCh38, chrX:153,930,468, plus strand): 5'-CCGACTACCATGGAGGCCCCCACGACAGAGCGCTGCCCCTTGACCAGCCCTGCCACCCGA[T>G]GAGCCTTGGGCAGAACCCTGACTCAGAACTACCTTTGAGCAGGCAGGCCACCCACTGGTC-3'

ClinVar aggregate classification (germline): Benign. Review status: criteria provided, multiple submitters, no conflicts (2 of 4 stars). 2 submissions from 2 submitters: Benign (2). Last evaluated 2018-06-19.

Allele frequency attached by ClinVar (database versions not stated): gnomAD exomes 0.24355; gnomAD 0.27424 and 0.28424; TOPMed 0.31769; 1000 Genomes Project 0.48530; 1000 Genomes Project 30x 0.48658.
gnomAD v4.1: 114,726 of 451,370 alleles (25%); highest among the groups gnomAD compares: East Asian, 67%; 14,041 homozygotes.

Submissions (2):

GeneDx
Classification: Benign. Last evaluated: 2018-06-19. Review status: criteria provided, single submitter. Criteria: GeneDx Variant Classification (06012015). Collection method: clinical testing. Allele origin: germline. Affected: yes.
Comment: This variant is considered likely benign or benign based on one or more of the following criteria: it is a conservative change, it occurs at a poorly conserved position in the protein, it is predicted to be benign by multiple in silico algorithms, and/or has population frequency not consistent with disease.

Breakthrough Genomics
Classification: Benign. Review status: criteria provided, single submitter. Criteria: ACMG Guidelines, 2015. Collection method: not provided. Allele origin: germline. Inheritance: X-linked inheritance. Affected: yes.